The following is an entry in ClinVar:

NM_000255.4(MMUT):c.1615G>A (p.Glu539Lys)

Gene: MMUT (methylmalonyl-CoA mutase; minus strand). Cytogenetic location: 6p12.3.
Variant type: single nucleotide variant.
Coding change: c.1615G>A on transcript NM_000255.4 (MANE Select); coding-DNA position 1615, G replaced by A.
Protein change: p.Glu539Lys; replaces glutamic acid 539 with lysine.
Molecular consequence: missense variant.
Genome position (GRCh38, 1-based): chr6:49,444,700, C>T on the plus strand (G>A on the coding strand, the complement: MMUT is on the minus strand). VCF-style: chr6-49444700-C-T. GRCh37 (hg19) VCF-style: chr6-49412413-C-T.
Other names: short protein forms E539K.
Identifiers: ClinVar variation 2416700 (VCV002416700.3), dbSNP rs763417266, ClinGen allele CA3846805.

ClinVar aggregate classification (germline): Uncertain significance (1 of 4 stars; one submission).

Allele frequency attached by ClinVar (database versions not stated): gnomAD 0.00001; TOPMed 0.00001; ExAC 0.00002; gnomAD exomes 0.00002.
gnomAD v4.1: 33 of 1,613,288 alleles (0.002%); highest among the groups gnomAD compares: East Asian, 0.018%; no homozygotes.

Submission:

Labcorp Genetics (formerly Invitae), Labcorp
Classification: Uncertain significance. Last evaluated: 2022-08-05. Review status: criteria provided, single submitter. Criteria: Invitae Variant Classification Sherloc (09022015). Collection method: clinical testing. Allele origin: germline.
Comment: This sequence change replaces glutamic acid, which is acidic and polar, with lysine, which is basic and polar, at codon 539 of the MUT protein (p.Glu539Lys). This variant is present in population databases (rs763417266, gnomAD 0.006%). This variant has not been reported in the literature in individuals affected with MUT-related conditions. Algorithms developed to predict the effect of missense changes on protein structure and function output the following: SIFT: "Deleterious"; PolyPhen-2: "Benign"; Align-GVGD: "Class C0". The lysine amino acid residue is found in multiple mammalian species, which suggests that this missense change does not adversely affect protein function. In summary, the available evidence is currently insufficient to determine the role of this variant in disease. Therefore, it has been classified as a Variant of Uncertain Significance.